The following is an entry in ClinVar:

NM_015270.5(ADCY6):c.85C>T (p.Arg29Trp)

Gene: ADCY6 (adenylate cyclase 6; minus strand). Cytogenetic location: 12q13.12.
Variant type: single nucleotide variant.
Coding change: c.85C>T on transcript NM_015270.5 (MANE Select); coding-DNA position 85, C replaced by T.
Protein change: p.Arg29Trp; replaces arginine 29 with tryptophan.
Molecular consequence: missense variant. On other transcripts: non-coding transcript variant (1).
Genome position (GRCh38, 1-based): chr12:48,783,350, G>A on the plus strand (C>T on the coding strand, the complement: ADCY6 is on the minus strand). VCF-style: chr12-48783350-G-A. GRCh37 (hg19) VCF-style: chr12-49177133-G-A.
Other names: c.85C>T, p.Arg29Trp (NM_001390830.1, NM_001390831.2, NM_001412819.1 and 3 more transcripts); short protein forms R29W.
Identifiers: ClinVar variation 3833571 (VCV003833571.2).

ClinVar aggregate classification (germline): Uncertain significance/VUS-low. Review status: criteria provided, multiple submitters, no conflicts (2 of 4 stars). 2 submissions from 2 submitters: Uncertain significance (1); VUS-low (1). Last evaluated 2025-11-05.

Conditions:
Lethal congenital contracture syndrome 8 (LCCS8). Identifiers: MedGen C4225385, MONDO:0014570, OMIM 616287.
Inborn genetic diseases. Identifiers: MedGen C0950123, MeSH D030342.

Submissions (2):

Synevo Romania
Classification: VUS-low for Lethal congenital contracture syndrome 8. Last evaluated: 2025-11-05. Review status: criteria provided, single submitter. Criteria: ACMG Guidelines, 2015. Collection method: clinical testing. Allele origin: unknown. Inheritance: Autosomal recessive inheritance. Observed: 1 variant allele, 1 compound heterozygote.
Comment: The published and predicted evidence for this variant is not sufficient at this time for determining its clinical significance.

Ambry Genetics
Classification: Uncertain significance for Inborn genetic diseases. Last evaluated: 2025-01-24. Review status: criteria provided, single submitter. Criteria: Ambry Variant Classification Scheme 2023. Collection method: clinical testing. Allele origin: germline.